The following is an entry in ClinVar:

ClinVar aggregate classification (germline): Uncertain significance. Review status: criteria provided, multiple submitters, no conflicts (2 of 4 stars). 2 submissions from 2 submitters: Uncertain significance (2). Last evaluated 2023-05-22.

Conditions:
MHC class I deficiency. Identifiers: Orphanet 34592, MedGen C6024714, MONDO:0011476.
Inborn genetic diseases. Identifiers: MedGen C0950123, MeSH D030342.

Allele frequency attached by ClinVar (database versions not stated): gnomAD exomes 0.00001 and 0.00004; gnomAD 0.00002; TOPMed 0.00002.
gnomAD v4.1: 54 of 1,612,036 alleles (0.0033%); highest among the groups gnomAD compares: Non-Finnish European, 0.0043%; no homozygotes.

Submissions (2):

Ambry Genetics
Classification: Uncertain significance for Inborn genetic diseases. Last evaluated: 2023-05-22. Review status: criteria provided, single submitter. Criteria: Ambry Variant Classification Scheme 2023. Collection method: clinical testing. Allele origin: germline.

Labcorp Genetics (formerly Invitae), Labcorp
Classification: Uncertain significance for MHC class I deficiency 1. Last evaluated: 2021-09-20. Review status: criteria provided, single submitter. Criteria: Invitae Variant Classification Sherloc (09022015). Collection method: clinical testing. Allele origin: germline.
Comment: This sequence change replaces methionine with valine at codon 433 of the TAP2 protein (p.Met433Val). The methionine residue is highly conserved and there is a small physicochemical difference between methionine and valine. This variant is not present in population databases (ExAC no frequency). This variant has not been reported in the literature in individuals affected with TAP2-related conditions. Algorithms developed to predict the effect of missense changes on protein structure and function are either unavailable or do not agree on the potential impact of this missense change (SIFT: "Deleterious"; PolyPhen-2: "Not Available"; Align-GVGD: "Class C0"). In summary, the available evidence is currently insufficient to determine the role of this variant in disease. Therefore, it has been classified as a Variant of Uncertain Significance.

NM_001290043.2(TAP2):c.1297A>G (p.Met433Val)

Gene: TAP2 (transporter 2, ATP binding cassette subfamily B member; minus strand). Cytogenetic location: 6p21.32.
Variant type: single nucleotide variant.
Coding change: c.1297A>G on transcript NM_001290043.2 (MANE Select); coding-DNA position 1297, A replaced by G.
Protein change: p.Met433Val; replaces methionine 433 with valine.
Molecular consequence: missense variant.
Genome position (GRCh38, 1-based): chr6:32,830,782, T>C on the plus strand (A>G on the coding strand, the complement: TAP2 is on the minus strand). VCF-style: chr6-32830782-T-C. GRCh37 (hg19) VCF-style: chr6-32798559-T-C.
Other names: c.1297A>G, p.Met433Val (NM_018833.3, NM_000544.3); short protein forms M433V.
Identifiers: ClinVar variation 835173 (VCV000835173.5), dbSNP rs767342050, ClinGen allele CA136998870.
Genomic context (GRCh38, chr6:32,830,782, plus strand): 5'-GATTTGGCTGTCGGTCCATGTAGGAGAAAACCTTCTCTGCAGCTCCCACGTTGCTGAGCA[T>C]ATCCCCATATATGTATACCAGGGTCTGGAAAACAGGAATGGGAGAGCCGGCTAATTAAAC-3'
Protein context (NP_001276972.1, residues 423-443): VQTLVYIYGD[Met433Val]LSNVGAAEKV